The following is an entry in ClinVar:

ClinVar aggregate classification (germline): Uncertain significance (1 of 4 stars; one submission).

Conditions:
L-2-hydroxyglutaric aciduria (L2HGA). Identifiers: Orphanet 79314, MedGen C1855995, MONDO:0009370, OMIM 236792, HP:0040144.

Allele frequency attached by ClinVar (database versions not stated): gnomAD 0.00004 and 0.00003; 1000 Genomes Project 0.00020; 1000 Genomes Project 30x 0.00031; TOPMed 0.00001; ExAC 0.00002; ESP Exome Variant Server 0.00015; gnomAD exomes 0.00001.
gnomAD v4.1: 9 of 1,610,382 alleles (0.00056%); highest among the groups gnomAD compares: African/African-American, 0.011%; no homozygotes.

Submission:

Labcorp Genetics (formerly Invitae), Labcorp
Classification: Uncertain significance for L-2-hydroxyglutaric aciduria. Last evaluated: 2022-11-01. Review status: criteria provided, single submitter. Criteria: Invitae Variant Classification Sherloc (09022015). Collection method: clinical testing. Allele origin: germline.
Comment: ClinVar contains an entry for this variant (Variation ID: 1496852). This variant has not been reported in the literature in individuals affected with L2HGDH-related conditions. This variant is present in population databases (rs376354488, gnomAD 0.01%). This sequence change replaces alanine, which is neutral and non-polar, with glycine, which is neutral and non-polar, at codon 4 of the L2HGDH protein (p.Ala4Gly). Algorithms developed to predict the effect of missense changes on protein structure and function output the following: SIFT: "Tolerated"; PolyPhen-2: "Benign"; Align-GVGD: "Class C0". The glycine amino acid residue is found in multiple mammalian species, which suggests that this missense change does not adversely affect protein function. In summary, the available evidence is currently insufficient to determine the role of this variant in disease. Therefore, it has been classified as a Variant of Uncertain Significance.

NM_024884.3(L2HGDH):c.11C>G (p.Ala4Gly)

Genes: DMAC2L (distal membrane arm assembly component 2 like; plus strand), L2HGDH (L-2-hydroxyglutarate dehydrogenase; minus strand). Cytogenetic location: 14q21.3.
Variant type: single nucleotide variant.
Coding change: c.11C>G on transcript NM_024884.3 (MANE Select); coding-DNA position 11, C replaced by G.
Protein change: p.Ala4Gly; replaces alanine 4 with glycine.
Molecular consequence: missense variant. On other transcripts: 5 prime UTR variant (6), intron variant (1).
Genome position (GRCh38, 1-based): chr14:50,312,140, G>C on the plus strand (C>G on the coding strand, the complement: L2HGDH is on the minus strand). VCF-style: chr14-50312140-G-C. GRCh37 (hg19) VCF-style: chr14-50778858-G-C.
Other names: c.11C>G, p.Ala4Gly (NM_001425212.1); c.-244C>G (NM_001425213.1, NM_001425214.1); c.-758C>G (NM_001425215.1); c.-600C>G (NM_001425216.1); c.-693C>G (NM_001425217.1); c.-615C>G (NM_001425218.1); c.-6+286G>C (NM_001382509.1); short protein forms A4G.
Identifiers: ClinVar variation 1496852 (VCV001496852.6), dbSNP rs376354488, ClinGen allele CA7178148.